The following is an entry in ClinVar:

NM_015915.5(ATL1):c.598G>A (p.Ala200Thr)

Gene: ATL1 (atlastin GTPase 1; plus strand). Cytogenetic location: 14q22.1.
Variant type: single nucleotide variant.
Coding change: c.598G>A on transcript NM_015915.5 (MANE Select); coding-DNA position 598, G replaced by A.
Protein change: p.Ala200Thr; replaces alanine 200 with threonine.
Molecular consequence: missense variant.
Genome position (GRCh38, 1-based): chr14:50,595,600, G>A. VCF-style: chr14-50595600-G-A. GRCh37 (hg19) VCF-style: chr14-51062318-G-A.
Other names: c.598G>A, p.Ala200Thr (NM_001127713.1, NM_181598.4); short protein forms A200T.
Identifiers: ClinVar variation 966271 (VCV000966271.10), dbSNP rs1459900918, ClinGen allele CA389668902.

ClinVar aggregate classification (germline): Uncertain significance. Review status: criteria provided, multiple submitters, no conflicts (2 of 4 stars). 2 submissions from 2 submitters: Uncertain significance (2). Last evaluated 2025-08-10.

Conditions:
Inborn genetic diseases. Identifiers: MedGen C0950123, MeSH D030342.
Hereditary spastic paraplegia 3A (SPG3A). Also called: SPASTIC PARAPLEGIA 3, AUTOSOMAL DOMINANT; FAMILIAL SPASTIC PARAPLEGIA, AUTOSOMAL DOMINANT, 1; SPG3; STRUMPELL DISEASE; Spastic paraplegia 3A, autosomal dominant; Spastic Paraplegia 3A. Identifiers: Orphanet 100984, MedGen C2931355, MONDO:0008437, OMIM 182600.

Allele frequency attached by ClinVar (database versions not stated): TOPMed below 0.00001; gnomAD 0.00001.
gnomAD v4.1: 1 of 1,613,498 alleles (0.000062%); highest among the groups gnomAD compares: Non-Finnish European, 0.000085%; no homozygotes.

Submissions (2):

Ambry Genetics
Classification: Uncertain significance for Inborn genetic diseases. Last evaluated: 2025-08-10. Review status: criteria provided, single submitter. Criteria: Ambry Variant Classification Scheme 2023. Collection method: clinical testing. Allele origin: germline.

Labcorp Genetics (formerly Invitae), Labcorp
Classification: Uncertain significance for Hereditary spastic paraplegia 3A. Last evaluated: 2020-10-01. Review status: criteria provided, single submitter. Criteria: Invitae Variant Classification Sherloc (09022015). Collection method: clinical testing. Allele origin: germline.
Comment: Algorithms developed to predict the effect of missense changes on protein structure and function (SIFT, PolyPhen-2, Align-GVGD) all suggest that this variant is likely to be disruptive, but these predictions have not been confirmed by published functional studies and their clinical significance is uncertain. In summary, the available evidence is currently insufficient to determine the role of this variant in disease. Therefore, it has been classified as a Variant of Uncertain Significance. This sequence change replaces alanine with threonine at codon 200 of the ATL1 protein (p.Ala200Thr). The alanine residue is highly conserved and there is a small physicochemical difference between alanine and threonine. This variant is not present in population databases (ExAC no frequency). This variant has not been reported in the literature in individuals with ATL1-related conditions.